The following is an entry in ClinVar:

NM_001972.4(ELANE):c.380C>T (p.Ala127Val)

Gene: ELANE (elastase, neutrophil expressed; plus strand). Cytogenetic location: 19p13.3.
Variant type: single nucleotide variant.
Coding change: c.380C>T on transcript NM_001972.4 (MANE Select); coding-DNA position 380, C replaced by T.
Protein change: p.Ala127Val; replaces alanine 127 with valine.
Molecular consequence: missense variant.
Genome position (GRCh38, 1-based): chr19:855,577, C>T. VCF-style: chr19-855577-C-T. GRCh37 (hg19) VCF-style: chr19-855577-C-T.
Other names: c.380C>T (NM_001972.3); short protein forms A127V.
Identifiers: ClinVar variation 702340 (VCV000702340.16), dbSNP rs781705775, ClinGen allele CA9026041.

ClinVar aggregate classification (germline): Likely benign. Review status: criteria provided, multiple submitters, no conflicts (2 of 4 stars). 3 submissions from 3 submitters: Likely benign (2). 1 of the submissions does not count toward it. Last evaluated 2025-10-06.

Conditions:
Cyclical neutropenia. Also called: Cyclic Neutropenia; Cyclic hematopoiesis. Identifiers: Orphanet 2686, MedGen C0221023, MONDO:0008090, OMIM 162800, HP:0040289. Disease mechanism: loss of function.
Neutropenia, severe congenital, 1, autosomal dominant. Identifiers: MedGen C1859966, MONDO:0042490, OMIM 202700.
ELANE-related disorder. Also called: ELANE-related condition.
Inborn genetic diseases. Identifiers: MedGen C0950123, MeSH D030342.

Allele frequency attached by ClinVar (database versions not stated): gnomAD 0.00004; TOPMed 0.00008; gnomAD exomes 0.00009 and 0.00020; ExAC 0.00017.
gnomAD v4.1: 56 of 1,599,586 alleles (0.0035%); highest among the groups gnomAD compares: Admixed American, 0.093%; no homozygotes.

Submissions (3):

Labcorp Genetics (formerly Invitae), Labcorp
Classification: Likely benign for Neutropenia, severe congenital, 1, autosomal dominant; Cyclical neutropenia. Last evaluated: 2025-10-06. Review status: criteria provided, single submitter. Criteria: Invitae Variant Classification Sherloc (09022015). Collection method: clinical testing. Allele origin: germline.

Ambry Genetics
Classification: Likely benign for Inborn genetic diseases. Last evaluated: 2024-11-28. Review status: criteria provided, single submitter. Criteria: Ambry Variant Classification Scheme 2023. Collection method: clinical testing. Allele origin: germline.

PreventionGenetics, part of Exact Sciences
Classification: Likely benign for ELANE-related condition. Last evaluated: 2022-04-25. Review status: no assertion criteria provided. Collection method: clinical testing. Allele origin: germline. Not counted in ClinVar's aggregate classification.
Comment: This variant is classified as likely benign based on ACMG/AMP sequence variant interpretation guidelines (Richards et al. 2015 PMID: 25741868, with internal and published modifications).